The following is an entry in ClinVar:

NM_198578.4(LRRK2):c.1861A>T (p.Ile621Leu)

Gene: LRRK2 (leucine rich repeat kinase 2; plus strand). Cytogenetic location: 12q12.
Variant type: single nucleotide variant.
Coding change: c.1861A>T on transcript NM_198578.4 (MANE Select); coding-DNA position 1861, A replaced by T.
Protein change: p.Ile621Leu; replaces isoleucine 621 with leucine.
Molecular consequence: missense variant.
Genome position (GRCh38, 1-based): chr12:40,274,913, A>T. VCF-style: chr12-40274913-A-T. GRCh37 (hg19) VCF-style: chr12-40668715-A-T.
Other names: short protein forms I621L.
Identifiers: ClinVar variation 3540572 (VCV003540572.1).

ClinVar aggregate classification (germline): Uncertain significance (1 of 4 stars; one submission).

Conditions:
Inborn genetic diseases. Identifiers: MedGen C0950123, MeSH D030342.

Submission:

Ambry Genetics
Classification: Uncertain significance for Inborn genetic diseases. Last evaluated: 2024-07-11. Review status: criteria provided, single submitter. Criteria: Ambry Variant Classification Scheme 2023. Collection method: clinical testing. Allele origin: germline.
Comment: The p.I621L variant (also known as c.1861A>T), located in coding exon 16 of the LRRK2 gene, results from an A to T substitution at nucleotide position 1861. The isoleucine at codon 621 is replaced by leucine, an amino acid with highly similar properties. This amino acid position is conserved. In addition, this alteration is predicted to be tolerated by in silico analysis. Based on the available evidence, the clinical significance of this variant remains unclear.